The following is an entry in ClinVar:

ClinVar aggregate classification (germline): Pathogenic (1 of 4 stars; one submission).

Conditions:
Hereditary cancer-predisposing syndrome. Also called: Neoplastic Syndromes, Hereditary; Tumor predisposition; Hereditary neoplastic syndrome; Hereditary Cancer Syndrome. Identifiers: Orphanet 140162, MedGen C0027672, MeSH D009386, MONDO:0015356.
Cardiovascular phenotype. Identifiers: MedGen CN230736.

Allele frequency attached by ClinVar (database versions not stated): TOPMed below 0.00001.

Submission:

Ambry Genetics
Classification: Pathogenic for Cardiovascular phenotype; Hereditary cancer-predisposing syndrome. Last evaluated: 2023-08-11. Review status: criteria provided, single submitter. Criteria: Ambry Variant Classification Scheme 2023. Collection method: clinical testing. Allele origin: germline.
Comment: The p.Q1596* pathogenic mutation (also known as c.4786C>T), located in coding exon 36 of the NF1 gene, results from a C to T substitution at nucleotide position 4786. This changes the amino acid from a glutamine to a stop codon within coding exon 36. This alteration has been observed in multiple individuals with a personal and/or family history that is consistent with NF1-related disease (Ambry internal data); (Zhang J et al. Sci Rep, 2015 Jun;5:11291); (Ko JM et al. Pediatr Neurol, 2013 Jun;48:447-53). This variant is considered to be rare based on population cohorts in the Genome Aggregation Database (gnomAD). In addition to the clinical data presented in the literature, this alteration is expected to result in loss of function by premature protein truncation or nonsense-mediated mRNA decay. As such, this alteration is interpreted as a disease-causing mutation.

NM_001042492.3(NF1):c.4849C>T (p.Gln1617Ter)

Gene: NF1 (neurofibromin 1; plus strand). Cytogenetic location: 17q11.2.
Variant type: single nucleotide variant.
Coding change: c.4849C>T on transcript NM_001042492.3 (MANE Select); coding-DNA position 4849, C replaced by T.
Protein change: p.Gln1617Ter; replaces glutamine 1617 with a stop codon.
Molecular consequence: nonsense.
Genome position (GRCh38, 1-based): chr17:31,325,833, C>T. VCF-style: chr17-31325833-C-T. GRCh37 (hg19) VCF-style: chr17-29652851-C-T.
Other names: c.4786C>T, p.Gln1596Ter (NM_000267.4); short protein forms Q1596*, Q1617*.
Identifiers: ClinVar variation 3237802 (VCV003237802.1), dbSNP rs2069325477.
Genomic context (GRCh38, chr17:31,325,833, plus strand): 5'-TTTTAAACACTGCTAATAATCTTTGTCTTTTTTGTCATTTTCCTTAGGTTCAAAACTGGT[C>T]AAATCAATGGTGATTTGCTGATATACCATGTCTTACTGACTTTAAAGCCATATTATGCAA-3'